The following is an entry in ClinVar:

NM_194248.3(OTOF):c.2156C>T (p.Pro719Leu)

Gene: OTOF (otoferlin; minus strand). Cytogenetic location: 2p23.3.
Variant type: single nucleotide variant.
Coding change: c.2156C>T on transcript NM_194248.3 (MANE Select); coding-DNA position 2156, C replaced by T.
Protein change: p.Pro719Leu; replaces proline 719 with leucine.
Molecular consequence: missense variant.
Genome position (GRCh38, 1-based): chr2:26,479,322, G>A on the plus strand (C>T on the coding strand, the complement: OTOF is on the minus strand). VCF-style: chr2-26479322-G-A. GRCh37 (hg19) VCF-style: chr2-26702190-G-A.
Other names: c.2156C>T, p.Pro719Leu (NM_001287489.2); short protein forms P719L.
Identifiers: ClinVar variation 3903305 (VCV003903305.2).

ClinVar aggregate classification (germline): Uncertain significance. Review status: criteria provided, multiple submitters, no conflicts (2 of 4 stars). 2 submissions from 2 submitters: Uncertain significance (2). Last evaluated 2024-12-10.

gnomAD v4.1: 8 of 1,612,268 alleles (0.0005%); highest among the groups gnomAD compares: Non-Finnish European, 0.00059%; no homozygotes.

Submissions (2):

GeneDx
Classification: Uncertain significance. Last evaluated: 2024-12-10. Review status: criteria provided, single submitter. Criteria: GeneDx Variant Classification Process June 2021. Collection method: clinical testing. Allele origin: germline. Affected: yes.
Comment: Not observed at significant frequency in large population cohorts (gnomAD); In silico analysis supports that this missense variant has a deleterious effect on protein structure/function; Has not been previously published as pathogenic or benign to our knowledge

Blueprint Genetics
Classification: Uncertain significance. Last evaluated: 2020-02-12. Review status: criteria provided, single submitter. Criteria: ACMG Guidelines, 2015. Collection method: clinical testing. Allele origin: germline.